The following is an entry in ClinVar:

ClinVar aggregate classification (germline): Uncertain significance (1 of 4 stars; one submission).

Conditions:
Intellectual developmental disorder, X-linked, syndromic, Hedera type. Also called: Syndromic X-linked intellectual disability Hedera type. Identifiers: Orphanet 93952, MedGen C1845543, MONDO:0010319, OMIM 300423.

Submission:

Labcorp Genetics (formerly Invitae), Labcorp
Classification: Uncertain significance for Intellectual developmental disorder, X-linked, syndromic, Hedera type. Last evaluated: 2023-06-27. Review status: criteria provided, single submitter. Criteria: Invitae Variant Classification Sherloc (09022015). Collection method: clinical testing. Allele origin: germline.
Comment: In summary, the available evidence is currently insufficient to determine the role of this variant in disease. Therefore, it has been classified as a Variant of Uncertain Significance. Algorithms developed to predict the effect of sequence changes on RNA splicing suggest that this variant may create or strengthen a splice site. An algorithm developed to predict the effect of missense changes on protein structure and function (PolyPhen-2) suggests that this variant is likely to be tolerated. This variant has not been reported in the literature in individuals affected with ATP6AP2-related conditions. This variant is not present in population databases (gnomAD no frequency). This sequence change replaces alanine, which is neutral and non-polar, with valine, which is neutral and non-polar, at codon 12 of the ATP6AP2 protein (p.Ala12Val).

NM_005765.3(ATP6AP2):c.35C>T (p.Ala12Val)

Genes: ATP6AP2 (ATPase H+ transporting accessory protein 2; plus strand), LOC130068149 (ATAC-STARR-seq lymphoblastoid silent region 20763; plus strand). Cytogenetic location: Xp11.4.
Variant type: single nucleotide variant.
Coding change: c.35C>T on transcript NM_005765.3 (MANE Select); coding-DNA position 35, C replaced by T.
Protein change: p.Ala12Val; replaces alanine 12 with valine.
Molecular consequence: missense variant.
Genome position (GRCh38, 1-based): chrX:40,581,100, C>T. VCF-style: chrX-40581100-C-T. GRCh37 (hg19) VCF-style: chrX-40440352-C-T.
Other names: short protein forms A12V.
Identifiers: ClinVar variation 2729746 (VCV002729746.3), dbSNP rs2518956236, ClinGen allele CA412751379.